The following is an entry in ClinVar:

ClinVar aggregate classification (germline): Uncertain significance (1 of 4 stars; one submission).

Submission:

GeneDx
Classification: Uncertain significance. Last evaluated: 2024-06-07. Review status: criteria provided, single submitter. Criteria: GeneDx Variant Classification Process June 2021. Collection method: clinical testing. Allele origin: germline. Affected: yes.
Comment: Not observed at significant frequency in large population cohorts (gnomAD); In silico analysis indicates that this missense variant does not alter protein structure/function; Has not been previously published as pathogenic or benign to our knowledge

NM_024757.5(EHMT1):c.838G>A (p.Val280Ile)

Gene: EHMT1 (euchromatic histone lysine methyltransferase 1; plus strand). Cytogenetic location: 9q34.3.
Variant type: single nucleotide variant.
Coding change: c.838G>A on transcript NM_024757.5 (MANE Select); coding-DNA position 838, G replaced by A.
Protein change: p.Val280Ile; replaces valine 280 with isoleucine.
Molecular consequence: missense variant. On other transcripts: intron variant (1).
Genome position (GRCh38, 1-based): chr9:137,743,385, G>A. VCF-style: chr9-137743385-G-A. GRCh37 (hg19) VCF-style: chr9-140637837-G-A.
Other names: c.838G>A, p.Val280Ile (NM_001145527.2, NM_001354611.2); c.745G>A, p.Val249Ile (NM_001354259.2, NM_001354612.2); c.824-7G>A (NM_001354263.2); short protein forms V249I, V280I.
Identifiers: ClinVar variation 3384237 (VCV003384237.1).
Genomic context (GRCh38, chr9:137,743,385, plus strand): 5'-TTCTTTTCCTTTCTTGTCCCCTTTTGACTTTTTTTTTTTTTTTTAGCTTGCTTGCCTTTT[G>A]TTTTAGCAGCTGCAGTATCTCGGAAGAAAAAACGAAGAATGGGAACCTATAGCCTGGTTC-3'
Protein context (NP_079033.4, residues 270-290): TKSQTACLPF[Val280Ile]LAAAVSRKKK